The following is an entry in ClinVar:

NM_001371333.1(DIABLO):c.394G>A (p.Val132Met)

Gene: DIABLO (diablo IAP-binding mitochondrial protein; minus strand). Cytogenetic location: 12q24.31.
Variant type: single nucleotide variant.
Coding change: c.394G>A on transcript NM_001371333.1 (MANE Select); coding-DNA position 394, G replaced by A.
Protein change: p.Val132Met; replaces valine 132 with methionine.
Molecular consequence: missense variant.
Genome position (GRCh38, 1-based): chr12:122,216,791, C>T on the plus strand (G>A on the coding strand, the complement: DIABLO is on the minus strand). VCF-style: chr12-122216791-C-T. GRCh37 (hg19) VCF-style: chr12-122701338-C-T.
Other names: c.103G>A, p.Val35Met (NM_001278302.1); c.175G>A, p.Val59Met (NM_001278303.1); c.235G>A, p.Val79Met (NM_001278304.2, NM_138930.3); c.262G>A, p.Val88Met (NM_001278342.1); c.394G>A, p.Val132Met (NM_019887.6); short protein forms V59M, V88M, V132M, V79M, V35M.
Identifiers: ClinVar variation 682493 (VCV000682493.7), dbSNP rs759692888, ClinGen allele CA6843929.
Genomic context (GRCh38, chr12:122,216,791, plus strand): 5'-ACAGAAATGCCTAGAACTTTCTGCTTACCTCAGCTCTGGCTCCTATGATCACCTGCCACA[C>T]TTCATCTTCCTCCTCTGAATTCATTTTCCCAAGTAAACTTGTATATTGTCGGTAAAGAGA-3'
Protein context (NP_001358262.1, residues 122-142): GKMNSEEEDE[Val132Met]WQVIIGARAE

ClinVar aggregate classification (germline): Conflicting classifications of pathogenicity. Review status: criteria provided, conflicting classifications (1 of 4 stars). 2 submissions from 2 submitters: Uncertain significance (1); Likely benign (1). Last evaluated 2025-11-24.

Allele frequency attached by ClinVar (database versions not stated): gnomAD 0.00003; TOPMed 0.00004; gnomAD exomes 0.00006; ExAC 0.00008.
gnomAD v4.1: 31 of 1,614,090 alleles (0.0019%); highest among the groups gnomAD compares: Admixed American, 0.04%; no homozygotes.

Submissions (2):

Labcorp Genetics (formerly Invitae), Labcorp
Classification: Uncertain significance. Last evaluated: 2025-11-24. Review status: criteria provided, single submitter. Criteria: Invitae Variant Classification Sherloc (09022015). Collection method: clinical testing. Allele origin: germline.
Comment: This sequence change replaces valine, which is neutral and non-polar, with methionine, which is neutral and non-polar, at codon 132 of the DIABLO protein (p.Val132Met). This variant is present in population databases (rs759692888, gnomAD 0.05%), and has an allele count higher than expected for a pathogenic variant. This variant has not been reported in the literature in individuals affected with DIABLO-related conditions. ClinVar contains an entry for this variant (Variation ID: 682493). An algorithm developed to predict the effect of missense changes on protein structure and function (PolyPhen-2) suggests that this variant is likely to be disruptive. In summary, the available evidence is currently insufficient to determine the role of this variant in disease. Therefore, it has been classified as a Variant of Uncertain Significance.

GeneDx
Classification: Likely benign. Last evaluated: 2018-05-21. Review status: criteria provided, single submitter. Criteria: GeneDx Variant Classification (06012015). Collection method: clinical testing. Allele origin: germline. Affected: yes.
Comment: This variant is considered likely benign or benign based on one or more of the following criteria: it is a conservative change, it occurs at a poorly conserved position in the protein, it is predicted to be benign by multiple in silico algorithms, and/or has population frequency not consistent with disease.